The following is an entry in ClinVar:

NM_207346.3(TSEN54):c.1532_1534del (p.Ser511del)

Gene: TSEN54 (tRNA splicing endonuclease subunit 54; plus strand). Cytogenetic location: 17q25.1.
Variant type: Deletion.
Coding change: c.1532_1534del on transcript NM_207346.3 (MANE Select); coding-DNA positions 1532 to 1534, 3 bases deleted (CCT; older notation c.1532_1534delCCT).
Protein change: p.Ser511del; deletes serine 511.
Molecular consequence: inframe deletion.
Genome position (GRCh38, 1-based): chr17:75,524,363-75,524,365, CCT deleted; deleting any 3 consecutive bases within chr17:75,524,361-75,524,365 gives the same sequence; the c. name uses the placement nearest the transcript's 3' end. VCF-style (leftmost placement, unchanged base first): chr17-75524360-TCTC-T. GRCh37 (hg19) VCF-style: chr17-73520441-TCTC-T.
Other names: short protein forms S511del.
Identifiers: ClinVar variation 429548 (VCV000429548.1), dbSNP rs1131691447, ClinGen allele CA645369736.

ClinVar aggregate classification (germline): Uncertain significance (1 of 4 stars; one submission).

Submission:

GeneDx
Classification: Uncertain significance. Last evaluated: 2017-05-11. Review status: criteria provided, single submitter. Criteria: GeneDx Variant Classification (06012015). Collection method: clinical testing. Allele origin: germline. Affected: yes.
Comment: A variant of uncertain significance has been identified in the TSEN54 gene. The c.1532_1534delCCT variant has not been published as a pathogenic variant, nor has it been reported as a benign variant to our knowledge. The c.1532_1534delCCT variant is not observed in large population cohorts (Lek et al., 2016; 1000 Genomes Consortium et al., 2015; Exome Variant Server). The c.1532_1534delCCT variant results in an in-frame deletion of one amino acid, denoted p.Ser511del. This variant occurs at a position that is not conserved. The c.1532_1534delCCT variant is not predicted to cause loss of normal protein function through protein truncation or nonsense-mediated mRNA decay. Based on the currently available information, it is unclear whether this variant is a pathogenic variant or a rare benign variant.